The following is an entry in ClinVar:

NM_001608.4(ACADL):c.497G>A (p.Cys166Tyr)

Gene: ACADL (acyl-CoA dehydrogenase long chain; minus strand). Cytogenetic location: 2q34.
Variant type: single nucleotide variant.
Coding change: c.497G>A on transcript NM_001608.4 (MANE Select); coding-DNA position 497, G replaced by A.
Protein change: p.Cys166Tyr; replaces cysteine 166 with tyrosine.
Molecular consequence: missense variant.
Genome position (GRCh38, 1-based): chr2:210,216,386, C>T on the plus strand (G>A on the coding strand, the complement: ACADL is on the minus strand). VCF-style: chr2-210216386-C-T. GRCh37 (hg19) VCF-style: chr2-211081110-C-T.
Other names: short protein forms C166Y.
Identifiers: ClinVar variation 2634923 (VCV002634923.1), dbSNP rs774160815, ClinGen allele CA2085012.
Genomic context (GRCh38, chr2:210,216,386, plus strand): 5'-GCCAACTAAATATTAACTTACCTTCCAGCTCCAGGCTCTGTCATTGCTATTGCACCAATA[C>T]ATTTGCCTGCAGTCATCTGGGGAATAAAGTGCTTAATCTGTTCTTCTGAGCCATGGTTTG-3'
Protein context (NP_001599.1, residues 156-176): HFIPQMTAGK[Cys166Tyr]IGAIAMTEPG

ClinVar aggregate classification (germline): Uncertain significance (1 of 4 stars; one submission).

Conditions:
ACADL-related disorder. Also called: ACADL-related condition.

Allele frequency attached by ClinVar (database versions not stated): ExAC 0.00001; gnomAD 0.00002; TOPMed 0.00003.
gnomAD v4.1: 12 of 1,613,864 alleles (0.00074%); highest among the groups gnomAD compares: Non-Finnish European, 0.001%; no homozygotes.

Submission:

PreventionGenetics, part of Exact Sciences
Classification: Uncertain significance for ACADL-related condition. Last evaluated: 2022-10-11. Review status: criteria provided, single submitter. Criteria: ACMG Guidelines, 2015. Collection method: clinical testing. Allele origin: germline.
Comment: The ACADL c.497G>A variant is predicted to result in the amino acid substitution p.Cys166Tyr. To our knowledge, this variant has not been reported in the literature. This variant is reported in 0.0018% of alleles in individuals of European (Non-Finnish) descent in gnomAD. At this time, the clinical significance of this variant is uncertain due to the absence of conclusive functional and genetic evidence.